The following is an entry in ClinVar:

ClinVar aggregate classification (germline): Uncertain significance (1 of 4 stars; one submission).

Conditions:
Cystinuria (CSNU). Also called: CYSTINURIA, TYPE I; CYSTINURIA, TYPE II; CYSTINURIA, TYPE III; Cystinuria, non-type I. Identifiers: Orphanet 214, MedGen C0010691, MONDO:0009067, OMIM 220100, HP:0003131.

Submission:

Labcorp Genetics (formerly Invitae), Labcorp
Classification: Uncertain significance for Cystinuria. Last evaluated: 2024-08-13. Review status: criteria provided, single submitter. Criteria: Invitae Variant Classification Sherloc (09022015). Collection method: clinical testing. Allele origin: germline.
Comment: This sequence change replaces tyrosine, which is neutral and polar, with cysteine, which is neutral and slightly polar, at codon 480 of the SLC3A1 protein (p.Tyr480Cys). This variant is not present in population databases (gnomAD no frequency). This missense change has been observed in individual(s) with clinical features of Cystinuria (PMID: 21488235). Invitae Evidence Modeling of protein sequence and biophysical properties (such as structural, functional, and spatial information, amino acid conservation, physicochemical variation, residue mobility, and thermodynamic stability) has been performed for this missense variant. However, the output from this modeling did not meet the statistical confidence thresholds required to predict the impact of this variant on SLC3A1 protein function. In summary, the available evidence is currently insufficient to determine the role of this variant in disease. Therefore, it has been classified as a Variant of Uncertain Significance.

Literature cited by the submitters: PubMed 21488235.

NM_000341.4(SLC3A1):c.1439A>G (p.Tyr480Cys)

Gene: SLC3A1 (solute carrier family 3 member 1; plus strand). Cytogenetic location: 2p21.
Variant type: single nucleotide variant.
Coding change: c.1439A>G on transcript NM_000341.4 (MANE Select); coding-DNA position 1439, A replaced by G.
Protein change: p.Tyr480Cys; replaces tyrosine 480 with cysteine.
Molecular consequence: missense variant.
Genome position (GRCh38, 1-based): chr2:44,312,692, A>G. VCF-style: chr2-44312692-A-G. GRCh37 (hg19) VCF-style: chr2-44539831-A-G.
Other names: short protein forms Y480C.
Identifiers: ClinVar variation 3720325 (VCV003720325.2).